The following is an entry in ClinVar:

NM_001162501.2(TNRC6B):c.1114G>T (p.Gly372Ter)

Gene: TNRC6B (trinucleotide repeat containing adaptor 6B; plus strand). Cytogenetic location: 22q13.1.
Variant type: single nucleotide variant.
Coding change: c.1114G>T on transcript NM_001162501.2 (MANE Select); coding-DNA position 1114, G replaced by T.
Protein change: p.Gly372Ter; replaces glycine 372 with a stop codon.
Molecular consequence: nonsense. On other transcripts: intron variant (1).
Genome position (GRCh38, 1-based): chr22:40,265,344, G>T. VCF-style: chr22-40265344-G-T. GRCh37 (hg19) VCF-style: chr22-40661348-G-T.
Other names: c.1114G>T, p.Gly372Ter (NM_015088.3); c.565+3171G>T (NM_001024843.2); short protein forms G372*.
Identifiers: ClinVar variation 4076265 (VCV004076265.1).

ClinVar aggregate classification (germline): Likely pathogenic (1 of 4 stars; one submission).

Conditions:
Global developmental delay with speech and behavioral abnormalities. Identifiers: MedGen C5543226, MONDO:0030995, OMIM 619243.

Submission:

Laboratorio de Genetica e Diagnostico Molecular, Hospital Israelita Albert Einstein
Classification: Likely pathogenic for Global developmental delay with speech and behavioral abnormalities. Last evaluated: 2024-07-29. Review status: criteria provided, single submitter. Criteria: ACMG Guidelines, 2015. Collection method: clinical testing. Allele origin: germline. Affected: yes.
Comment: ACMG classification criteria: PVS1 very strong, PM2 supporting